The following is an entry in ClinVar:

NM_017777.4(MKS1):c.1408-3C>T

Gene: MKS1 (MKS transition zone complex subunit 1; minus strand). Cytogenetic location: 17q22.
Variant type: single nucleotide variant.
Coding change: c.1408-3C>T on transcript NM_017777.4 (MANE Select); 3 bases into the intron before coding-DNA position 1408, C replaced by T.
Molecular consequence: intron variant.
Genome position (GRCh38, 1-based): chr17:58,206,550, G>A on the plus strand (C>T on the coding strand, the complement: MKS1 is on the minus strand). VCF-style: chr17-58206550-G-A. GRCh37 (hg19) VCF-style: chr17-56283911-G-A.
Other names: c.799-3C>T (NM_001321268.2); c.1274-170C>T (NM_001330397.2); c.1408-170C>T (NM_001321269.2).
Identifiers: ClinVar variation 596972 (VCV000596972.11), dbSNP rs377033273, ClinGen allele CA8669133.
Genomic context (GRCh38, chr17:58,206,550, plus strand): 5'-GGAAGGTGACAGTGCCTGTGGTCTCTGTGCGGAGTCCAAAGCGGCTCAGGCGTTCCCCCT[G>A]TGGCATGCCATTGGGACAGCCTCAGGTTTCTGCTCTCTCTAGACACCCCCGCACCATGCT-3'

ClinVar aggregate classification (germline): Uncertain significance. Review status: criteria provided, multiple submitters, no conflicts (2 of 4 stars). 5 submissions from 5 submitters: Uncertain significance (3). 2 of the submissions do not count toward it. Last evaluated 2024-06-19.

Conditions:
Meckel syndrome, type 1 (MKS1). Also called: MECKEL-GRUBER SYNDROME, TYPE 1. Identifiers: Orphanet 564, MedGen C3714506, MONDO:0009571, OMIM 249000.
Bardet-Biedl syndrome 13 (BBS13). Identifiers: Orphanet 110, MedGen C2673873, MONDO:0014441, OMIM 615990.
Joubert syndrome 28 (JBTS28). Identifiers: MedGen C4310705, MONDO:0014928, OMIM 617121.
Joubert syndrome. Also called: Familial aplasia of the vermis; JOUBERT-BOLTSHAUSER SYNDROME. Identifiers: Orphanet 475, MedGen C5979921, MONDO:0018772.
Meckel-Gruber syndrome. Also called: DYSENCEPHALIA SPLANCHNOCYSTICA; GRUBER SYNDROME; Dysencephalia splachnocystica. Identifiers: Orphanet 564, MedGen C0265215, MONDO:0018921.
MKS1-related disorder. Also called: MKS1-related condition; MKS1-related disorders. Identifiers: MedGen CN239382.

Allele frequency attached by ClinVar (database versions not stated): gnomAD exomes 0.00001 and 0.00006; ExAC 0.00007; 1000 Genomes Project 30x 0.00016; ESP Exome Variant Server 0.00016; gnomAD 0.00017 and 0.00019; TOPMed 0.00019; 1000 Genomes Project 0.00020.
gnomAD v4.1: 43 of 1,611,820 alleles (0.0027%); highest among the groups gnomAD compares: African/African-American, 0.052%; no homozygotes.

Submissions (5):

Fulgent Genetics
Classification: Uncertain significance for Meckel syndrome, type 1; Bardet-Biedl syndrome 13; Joubert syndrome 28. Last evaluated: 2024-06-19. Review status: criteria provided, single submitter. Criteria: ACMG Guidelines, 2015. Collection method: clinical testing. Allele origin: germline.

Labcorp Genetics (formerly Invitae), Labcorp
Classification: Uncertain significance for Joubert syndrome; Meckel-Gruber syndrome. Last evaluated: 2022-11-01. Review status: criteria provided, single submitter. Criteria: Invitae Variant Classification Sherloc (09022015). Collection method: clinical testing. Allele origin: germline.
Comment: This sequence change falls in intron 15 of the MKS1 gene. It does not directly change the encoded amino acid sequence of the MKS1 protein. It affects a nucleotide within the consensus splice site. This variant is present in population databases (rs377033273, gnomAD 0.08%). This variant has not been reported in the literature in individuals affected with MKS1-related conditions. ClinVar contains an entry for this variant (Variation ID: 596972). Variants that disrupt the consensus splice site are a relatively common cause of aberrant splicing (PMID: 17576681, 9536098). Algorithms developed to predict the effect of sequence changes on RNA splicing suggest that this variant is not likely to affect RNA splicing. In summary, the available evidence is currently insufficient to determine the role of this variant in disease. Therefore, it has been classified as a Variant of Uncertain Significance.

Eurofins Ntd Llc (ga)
Classification: Uncertain significance. Last evaluated: 2018-04-24. Review status: criteria provided, single submitter. Criteria: EGL ClinVar v180209 classification definitions. Collection method: clinical testing. Allele origin: germline. Observed: 1 variant allele, 1 heterozygote.

Natera, Inc.
Classification: Uncertain significance for Meckel syndrome type 1. Last evaluated: 2019-10-28. Review status: no assertion criteria provided. Collection method: clinical testing. Allele origin: germline. Not counted in ClinVar's aggregate classification.

PreventionGenetics, part of Exact Sciences
Classification: Likely benign for MKS1-related condition. Last evaluated: 2019-09-27. Review status: no assertion criteria provided. Collection method: clinical testing. Allele origin: germline. Not counted in ClinVar's aggregate classification.
Comment: This variant is classified as likely benign based on ACMG/AMP sequence variant interpretation guidelines (Richards et al. 2015 PMID: 25741868, with internal and published modifications).

Literature cited by the submitters: PubMed 17576681 (cited by Labcorp Genetics (formerly Invitae), Labcorp); PubMed 9536098 (cited by Labcorp Genetics (formerly Invitae), Labcorp).